The following is an entry in ClinVar:

ClinVar aggregate classification (germline): Uncertain significance (1 of 4 stars; one submission).

Conditions:
Familial thoracic aortic aneurysm and aortic dissection (TAAD). Also called: Thoracic aortic aneurysms and dissections. Identifiers: Orphanet 91387, MedGen C4707243, MONDO:0019625.

gnomAD v4.1: 1 of 1,613,712 alleles (0.000062%); highest among the groups gnomAD compares: Non-Finnish European, 0.000085%; no homozygotes.

Submission:

Color Diagnostics, LLC DBA Color Health
Classification: Uncertain significance for Familial thoracic aortic aneurysm and aortic dissection. Last evaluated: 2024-03-07. Review status: criteria provided, single submitter. Criteria: ACMG Guidelines, 2015. Collection method: clinical testing. Allele origin: germline.
Comment: This missense variant replaces proline with histidine at codon 2103 of the FBN1 protein. Computational prediction suggests that this variant may not impact protein structure and function (internally defined REVEL score threshold <= 0.5, PMID: 27666373). To our knowledge, functional studies have not been reported for this variant. This variant has not been reported in individuals affected with cardiovascular disorders in the literature. This variant has not been identified in the general population by the Genome Aggregation Database (gnomAD). The available evidence is insufficient to determine the role of this variant in disease conclusively. Therefore, this variant is classified as a Variant of Uncertain Significance.

NM_000138.5(FBN1):c.6308C>A (p.Pro2103His)

Gene: FBN1 (fibrillin 1; minus strand). Cytogenetic location: 15q21.1.
Variant type: single nucleotide variant.
Coding change: c.6308C>A on transcript NM_000138.5 (MANE Select); coding-DNA position 6308, C replaced by A.
Protein change: p.Pro2103His; replaces proline 2103 with histidine.
Molecular consequence: missense variant.
Genome position (GRCh38, 1-based): chr15:48,437,773, G>T on the plus strand (C>A on the coding strand, the complement: FBN1 is on the minus strand). VCF-style: chr15-48437773-G-T. GRCh37 (hg19) VCF-style: chr15-48729970-G-T.
Other names: c.6308C>A, p.Pro2103His (NM_001406716.1); short protein forms P2103H.
Identifiers: ClinVar variation 2773328 (VCV002773328.2), dbSNP rs2505438438, ClinGen allele CA392336896.